The following is an entry in ClinVar:

NM_000219.6(KCNE1):c.287A>C (p.Gln96Pro)

Gene: KCNE1 (potassium voltage-gated channel subfamily E regulatory subunit 1; minus strand). Cytogenetic location: 21q22.12.
Variant type: single nucleotide variant.
Coding change: c.287A>C on transcript NM_000219.6 (MANE Select); coding-DNA position 287, A replaced by C.
Protein change: p.Gln96Pro; replaces glutamine 96 with proline.
Molecular consequence: missense variant.
Genome position (GRCh38, 1-based): chr21:34,449,348, T>G on the plus strand (A>C on the coding strand, the complement: KCNE1 is on the minus strand). VCF-style: chr21-34449348-T-G. GRCh37 (hg19) VCF-style: chr21-35821646-T-G.
Other names: c.287A>C, p.Gln96Pro (NM_001127668.4, NM_001127669.4, NM_001127670.4 and 4 more transcripts); short protein forms Q96P.
Identifiers: ClinVar variation 3374539 (VCV003374539.2).

Conditions:
Long QT syndrome 5 (LQT5). Identifiers: Orphanet 101016, Orphanet 768, MedGen C1867904, MONDO:0013372, OMIM 613695.

Submission:

Roden Lab, Vanderbilt University Medical Center
No classification provided (evidence only). Condition: Long QT syndrome 5. Review status: no classification provided. Collection method: in vitro. Allele origin: not applicable. Functional consequence: Effect on ion channel function.
ClinVar note: "not provided" was previously submitted as the classification for the variant. However, the classification appeared to be based only on an observation of functional data so it was converted to no classification on 2025-07-30.